The following is an entry in ClinVar:

NM_001002295.2(GATA3):c.242-5del

Gene: GATA3 (GATA binding protein 3; plus strand). Cytogenetic location: 10p14.
Variant type: Deletion.
Coding change: c.242-5del on transcript NM_001002295.2 (MANE Select); 5 bases into the intron before coding-DNA position 242, one base deleted (C; older notation c.242-5delC).
Molecular consequence: intron variant.
Genome position (GRCh38, 1-based): chr10:8,058,300, C deleted; the last of 4 consecutive C bases (chr10:8,058,297-8,058,300); deleting any one gives the same sequence. VCF-style (leftmost placement, unchanged base first): chr10-8058296-GC-G. GRCh37 (hg19) VCF-style: chr10-8100259-GC-G.
Other names: c.242-5delC (NM_001002295.2); c.242-5del (NM_001441116.1, NM_001441118.1, NM_001441117.1 and 18 more transcripts).
Identifiers: ClinVar variation 4848213 (VCV004848213.1).

ClinVar aggregate classification (germline): Likely benign (1 of 4 stars; one submission).

Submission:

Women's Health and Genetics/Laboratory Corporation of America, LabCorp
Classification: Likely benign. Last evaluated: 2026-02-19. Review status: criteria provided, single submitter. Criteria: LabCorp Variant Classification Summary - May 2015. Collection method: clinical testing. Allele origin: germline.
Comment: Variant summary: GATA3 c.242-5delC alters a nucleotide located at a position not widely known to affect splicing. Consensus agreement among computation tools predict no significant impact on normal splicing. However, these predictions have yet to be confirmed by functional studies. The variant allele was found at a frequency of 4.1e-06 in 246904 control chromosomes. The available data on variant occurrences in the general population are insufficient to allow any conclusion about variant significance. To our knowledge, no occurrence of c.242-5delC in individuals affected with GATA3-related conditions and no experimental evidence demonstrating its impact on protein function have been reported. No submitters have cited clinical-significance assessments for this variant to ClinVar. Based on the evidence outlined above, the variant was classified as likely benign.